The following is an entry in ClinVar:

ClinVar aggregate classification (germline): Pathogenic (1 of 4 stars; one submission).

Conditions:
Hereditary cancer-predisposing syndrome. Also called: Neoplastic Syndromes, Hereditary; Tumor predisposition; Hereditary Cancer Syndrome; Hereditary neoplastic syndrome. Identifiers: Orphanet 140162, MedGen C0027672, MeSH D009386, MONDO:0015356.
Familial thoracic aortic aneurysm and aortic dissection (TAAD). Also called: Thoracic aortic aneurysms and dissections. Identifiers: Orphanet 91387, MedGen C4707243, MONDO:0019625.

Submission:

Ambry Genetics
Classification: Pathogenic for Hereditary cancer-predisposing syndrome; Familial thoracic aortic aneurysm and aortic dissection. Last evaluated: 2021-01-04. Review status: criteria provided, single submitter. Criteria: Ambry Variant Classification Scheme 2023. Collection method: clinical testing. Allele origin: germline.
Comment: The c.337_343delAAATATT pathogenic mutation, located in coding exon 2 of the SMAD4 gene, results from a deletion of 7 nucleotides at nucleotide positions 337 to 343, causing a translational frameshift with a predicted alternate stop codon (p.K113Vfs*7). This alteration is expected to result in loss of function by premature protein truncation or nonsense-mediated mRNA decay. As such, this alteration is interpreted as a disease-causing mutation.

NM_005359.6(SMAD4):c.337_343del (p.Lys113fs)

Gene: SMAD4 (SMAD family member 4; plus strand). Cytogenetic location: 18q21.2.
Variant type: Deletion.
Coding change: c.337_343del on transcript NM_005359.6 (MANE Select); coding-DNA positions 337 to 343, 7 bases deleted (AAATATT; older notation c.337_343delAAATATT).
Protein change: p.Lys113fs; shifts the reading frame from lysine 113.
Molecular consequence: frameshift variant.
Genome position (GRCh38, 1-based): chr18:51,048,773-51,048,779, AAATATT deleted; deleting any 7 consecutive bases within chr18:51,048,771-51,048,779 gives the same sequence; the c. name uses the placement nearest the transcript's 3' end. VCF-style (leftmost placement, unchanged base first): chr18-51048770-GTTAAATA-G. GRCh37 (hg19) VCF-style: chr18-48575140-GTTAAATA-G.
Other names: c.337_343delAAATATT, p.Lys113Valfs (NM_001407041.1, NM_001407042.1, NM_001407043.1); short protein forms K113fs.
Identifiers: ClinVar variation 1730735 (VCV001730735.2), dbSNP rs2511369505, ClinGen allele CA2580095871.